The following is an entry in ClinVar:

ClinVar aggregate classification (germline): Uncertain significance (1 of 4 stars; one submission).

Conditions:
Cardiovascular phenotype. Identifiers: MedGen CN230736.

Allele frequency attached by ClinVar (database versions not stated): gnomAD exomes below 0.00001; TOPMed below 0.00001; gnomAD 0.00001.
gnomAD v4.1: 2 of 1,613,758 alleles (0.00012%); highest among the groups gnomAD compares: Non-Finnish European, 0.00017%; no homozygotes.

Submission:

Ambry Genetics
Classification: Uncertain significance for Cardiovascular phenotype. Last evaluated: 2019-04-04. Review status: criteria provided, single submitter. Criteria: Ambry Variant Classification Scheme 2023. Collection method: clinical testing. Allele origin: germline.
Comment: The p.G21840V variant (also known as c.65519G>T), located in coding exon 166 of the TTN gene, results from a G to T substitution at nucleotide position 65519. The glycine at codon 21840 is replaced by valine, an amino acid with dissimilar properties. This amino acid position is highly conserved in available vertebrate species. In addition, the in silico prediction for this alteration is inconclusive. Since supporting evidence is limited at this time, the clinical significance of this alteration remains unclear.

NM_001267550.2(TTN):c.92714G>T (p.Gly30905Val)

Genes: TTN (titin; minus strand), TTN-AS1 (TTN antisense RNA 1; plus strand). Cytogenetic location: 2q31.2.
Variant type: single nucleotide variant.
Coding change: c.92714G>T on transcript NM_001267550.2 (MANE Select); coding-DNA position 92714, G replaced by T.
Protein change: p.Gly30905Val; replaces glycine 30905 with valine.
Molecular consequence: missense variant.
Genome position (GRCh38, 1-based): chr2:178,548,912, C>A on the plus strand (G>T on the coding strand, the complement: TTN is on the minus strand). VCF-style: chr2-178548912-C-A. GRCh37 (hg19) VCF-style: chr2-179413639-C-A.
Other names: c.87791G>T, p.Gly29264Val (NM_001256850.1); c.65519G>T, p.Gly21840Val (NM_003319.4); c.85010G>T, p.Gly28337Val (NM_133378.4); c.65894G>T, p.Gly21965Val (NM_133432.3); c.66095G>T, p.Gly22032Val (NM_133437.4); short protein forms G21965V, G21840V, G22032V, G29264V, G28337V, G30905V.
Identifiers: ClinVar variation 1754164 (VCV001754164.2), dbSNP rs1698268798, ClinGen allele CA349491622.